The following is an entry in ClinVar:

ClinVar aggregate classification (germline): Uncertain significance (1 of 4 stars; one submission).

Submission:

GeneDx
Classification: Uncertain significance. Last evaluated: 2025-07-16. Review status: criteria provided, single submitter. Criteria: GeneDx Variant Classification Process June 2021. Collection method: clinical testing. Allele origin: germline. Affected: yes.
Comment: Not observed at significant frequency in large population cohorts (gnomAD); In silico analysis suggests that this missense variant does not alter protein structure/function; Has not been previously published as pathogenic or benign to our knowledge

NM_001357.5(DHX9):c.415T>A (p.Trp139Arg)

Gene: DHX9 (DExH-box helicase 9; plus strand). Cytogenetic location: 1q25.3.
Variant type: single nucleotide variant.
Coding change: c.415T>A on transcript NM_001357.5 (MANE Select); coding-DNA position 415, T replaced by A.
Protein change: p.Trp139Arg; replaces tryptophan 139 with arginine.
Molecular consequence: missense variant. On other transcripts: non-coding transcript variant (1).
Genome position (GRCh38, 1-based): chr1:182,853,356, T>A. VCF-style: chr1-182853356-T-A. GRCh37 (hg19) VCF-style: chr1-182822491-T-A.
Other names: short protein forms W139R.
Identifiers: ClinVar variation 4686329 (VCV004686329.1).